The following is an entry in ClinVar:

NM_021096.4(CACNA1I):c.699C>T (p.Gly233=)

Gene: CACNA1I (calcium voltage-gated channel subunit alpha1 I; plus strand). Cytogenetic location: 22q13.1.
Variant type: single nucleotide variant.
Coding change: c.699C>T on transcript NM_021096.4 (MANE Select); coding-DNA position 699, C replaced by T.
Protein change: p.Gly233=; no amino-acid change (glycine 233 retained).
Molecular consequence: synonymous variant.
Genome position (GRCh38, 1-based): chr22:39,634,683, C>T. VCF-style: chr22-39634683-C-T. GRCh37 (hg19) VCF-style: chr22-40030688-C-T.
Other names: c.699C>T, p.Gly233= (NM_001003406.2).
Identifiers: ClinVar variation 3047003 (VCV003047003.2), dbSNP rs1352534420, ClinGen allele CA514608735.
Genomic context (GRCh38, chr22:39,634,683, plus strand): 5'-GCTGCTCTGCTTCTTTGTCTTCTTCATCTTTGGCATCATAGGTGTGCAGCTCTGGGCGGG[C>T]CTGCTGCGTAACCGCTGCTTCCTGGAGGAGAACTTCACCATGTGAGTTCATCCCCTGCCA-3'
Protein context (NP_066919.2, residues 223-243): FGIIGVQLWA[Gly233=]LLRNRCFLEE

ClinVar aggregate classification (germline): Likely benign (0 of 4 stars; one submission).

Conditions:
CACNA1I-related disorder. Also called: CACNA1I-related condition.

Allele frequency attached by ClinVar (database versions not stated): gnomAD exomes below 0.00001; gnomAD 0.00001.
gnomAD v4.1: 4 of 1,613,714 alleles (0.00025%); highest among the groups gnomAD compares: Middle Eastern, 0.016%; no homozygotes.

Submission:

PreventionGenetics, part of Exact Sciences
Classification: Likely benign for CACNA1I-related condition. Last evaluated: 2019-03-26. Review status: no assertion criteria provided. Collection method: clinical testing. Allele origin: germline.
Comment: This variant is classified as likely benign based on ACMG/AMP sequence variant interpretation guidelines (Richards et al. 2015 PMID: 25741868, with internal and published modifications).